The following is an entry in ClinVar:

ClinVar aggregate classification (germline): Uncertain significance. Review status: criteria provided, multiple submitters, no conflicts (2 of 4 stars). 3 submissions from 3 submitters: Uncertain significance (2). 1 of the submissions does not count toward it. Last evaluated 2025-04-03.

Conditions:
Usher syndrome type 1F (USH1F). Also called: USHER SYNDROME, TYPE IF. Identifiers: Orphanet 231169, Orphanet 886, MedGen C1865885, MONDO:0011186, OMIM 602083.

Allele frequency attached by ClinVar (database versions not stated): gnomAD exomes 0.00001 and 0.00002; ExAC 0.00002; gnomAD 0.00002; TOPMed 0.00004; ESP Exome Variant Server 0.00008.
gnomAD v4.1: 25 of 1,613,370 alleles (0.0015%); highest among the groups gnomAD compares: Non-Finnish European, 0.0011%; no homozygotes.

Submissions (3):

GeneDx
Classification: Uncertain significance. Last evaluated: 2025-04-03. Review status: criteria provided, single submitter. Criteria: GeneDx Variant Classification Process June 2021. Collection method: clinical testing. Allele origin: germline. Affected: yes.
Comment: In silico analysis supports that this missense variant has a deleterious effect on protein structure/function; Has not been previously published as pathogenic or benign to our knowledge; This variant is associated with the following publications: (PMID: 15537665)

Labcorp Genetics (formerly Invitae), Labcorp
Classification: Uncertain significance. Last evaluated: 2022-06-04. Review status: criteria provided, single submitter. Criteria: Invitae Variant Classification Sherloc (09022015). Collection method: clinical testing. Allele origin: germline.
Comment: This sequence change replaces glycine, which is neutral and non-polar, with serine, which is neutral and polar, at codon 1234 of the PCDH15 protein (p.Gly1234Ser). This variant is present in population databases (rs143149062, gnomAD 0.01%). This variant has not been reported in the literature in individuals affected with PCDH15-related conditions. ClinVar contains an entry for this variant (Variation ID: 845996). Algorithms developed to predict the effect of missense changes on protein structure and function output the following: SIFT: "Tolerated"; PolyPhen-2: "Benign"; Align-GVGD: "Class C0". The serine amino acid residue is found in multiple mammalian species, which suggests that this missense change does not adversely affect protein function. In summary, the available evidence is currently insufficient to determine the role of this variant in disease. Therefore, it has been classified as a Variant of Uncertain Significance.

Natera, Inc.
Classification: Uncertain significance for Usher syndrome type 1F. Last evaluated: 2020-01-24. Review status: no assertion criteria provided. Collection method: clinical testing. Allele origin: germline. Not counted in ClinVar's aggregate classification.

NM_001384140.1(PCDH15):c.3700G>A (p.Gly1234Ser)

Gene: PCDH15 (protocadherin related 15; minus strand). Cytogenetic location: 10q21.1.
Variant type: single nucleotide variant.
Coding change: c.3700G>A on transcript NM_001384140.1 (MANE Select); coding-DNA position 3700, G replaced by A.
Protein change: p.Gly1234Ser; replaces glycine 1234 with serine.
Molecular consequence: missense variant.
Genome position (GRCh38, 1-based): chr10:53,866,659, C>T on the plus strand (G>A on the coding strand, the complement: PCDH15 is on the minus strand). VCF-style: chr10-53866659-C-T. GRCh37 (hg19) VCF-style: chr10-55626419-C-T.
Other names: c.3700G>A, p.Gly1234Ser (NM_033056.4, NM_001142764.2, NM_001142766.2 and 4 more transcripts); c.3715G>A, p.Gly1239Ser (NM_001142763.2, NM_001142771.2); c.3487G>A, p.Gly1163Ser (NM_001142765.2); c.3589G>A, p.Gly1197Ser (NM_001142767.2); c.3634G>A, p.Gly1212Ser (NM_001142768.2, NM_001142773.2, NM_001354404.2); c.3736G>A, p.Gly1246Ser (NM_001142769.4); c.3721G>A, p.Gly1241Ser (NM_001354411.2); short protein forms G1241S, G1234S, G1239S, G1197S, G1212S, G1163S, G1246S.
Identifiers: ClinVar variation 845996 (VCV000845996.6), dbSNP rs143149062, ClinGen allele CA5505591.
Genomic context (GRCh38, chr10:53,866,659, plus strand): 5'-AGTATCGTAGCTACTTCCCTTTCCTGAAGTTTTATCTACTTACGAGTACATCGGCTTTGC[C>T]GCTCAGTCCCTTCCCATAGTCGTCAGTTGCAATAACTTGAAACTTGAAGTAGGATCTCCT-3'
Protein context (NP_001371069.1, residues 1224-1244): ATDDYGKGLS[Gly1234Ser]KADVLVSVVN